The following is an entry in ClinVar:

NM_006361.6(HOXB13):c.152T>C (p.Leu51Ser)

Gene: HOXB13 (homeobox B13; minus strand). Cytogenetic location: 17q21.32.
Variant type: single nucleotide variant.
Coding change: c.152T>C on transcript NM_006361.6 (MANE Select); coding-DNA position 152, T replaced by C.
Protein change: p.Leu51Ser; replaces leucine 51 with serine.
Molecular consequence: missense variant.
Genome position (GRCh38, 1-based): chr17:48,728,442, A>G on the plus strand (T>C on the coding strand, the complement: HOXB13 is on the minus strand). VCF-style: chr17-48728442-A-G. GRCh37 (hg19) VCF-style: chr17-46805804-A-G.
Other names: short protein forms L51S.
Identifiers: ClinVar variation 3284653 (VCV003284653.1).

ClinVar aggregate classification (germline): Uncertain significance (1 of 4 stars; one submission).

Conditions:
Hereditary cancer-predisposing syndrome. Also called: Tumor predisposition; Hereditary Cancer Syndrome; Hereditary neoplastic syndrome; Neoplastic Syndromes, Hereditary. Identifiers: Orphanet 140162, MedGen C0027672, MeSH D009386, MONDO:0015356.

Submission:

Ambry Genetics
Classification: Uncertain significance for Hereditary cancer-predisposing syndrome. Last evaluated: 2024-06-21. Review status: criteria provided, single submitter. Criteria: Ambry Variant Classification Scheme 2023. Collection method: clinical testing. Allele origin: germline.
Comment: The p.L51S variant (also known as c.152T>C), located in coding exon 1 of the HOXB13 gene, results from a T to C substitution at nucleotide position 152. The leucine at codon 51 is replaced by serine, an amino acid with dissimilar properties. This amino acid position is conserved. In addition, this alteration is predicted to be tolerated by in silico analysis. Based on the available evidence, the clinical significance of this variant remains unclear.